The following is an entry in ClinVar:

NC_000004.11:g.(?_121613069)_(121843882_?)dup

Gene: PRDM5 (PR/SET domain 5; minus strand). Cytogenetic location: 4q27.
Variant type: Duplication.
Identifiers: ClinVar variation 4853031 (VCV004853031.1).

ClinVar aggregate classification (germline): Uncertain significance (1 of 4 stars; one submission).

Submission:

Women's Health and Genetics/Laboratory Corporation of America, LabCorp
Classification: Uncertain significance. Last evaluated: 2026-05-18. Review status: criteria provided, single submitter. Criteria: LabCorp Variant Classification Summary - May 2015. Collection method: clinical testing. Allele origin: germline.
Comment: Variant summary: The variant involves the duplication of exons 1-16 in the PRDM5 gene. A presumed nomenclature of c.(?_-119)_(*3197_?)dup has been designated for the purposes of this classification. This duplication includes the entire coding sequence of the gene. As exact breakpoints are unknown, it may extend beyond the annotated region of the gene, to include other flanking genes. The variant was absent in 21694 control chromosomes. The available data on variant occurrences in the general population are insufficient to allow any conclusion about variant significance. To our knowledge, no occurrence of c.(?_-119)_(*3197_?)dup in individuals affected with PRDM5-related conditions and no experimental evidence demonstrating its impact on protein function have been reported. No submitters have cited clinical-significance assessments for this variant to ClinVar. Based on the evidence outlined above, the variant was classified as uncertain significance.